The following is an entry in ClinVar:

ClinVar aggregate classification (germline): Benign. Review status: criteria provided, multiple submitters, no conflicts (2 of 4 stars). 2 submissions from 2 submitters: Benign (2). Last evaluated 2018-01-13.

Conditions:
Peroxisome biogenesis disorder 7A (Zellweger). Also called: Peroxisome biogenesis disorder 7A. Identifiers: Orphanet 912, MedGen C3888385, MONDO:0013938, OMIM 614872.

Allele frequency attached by ClinVar (database versions not stated): gnomAD exomes 0.02778; TOPMed 0.03837; 1000 Genomes Project 0.04173; 1000 Genomes Project 30x 0.04201.
gnomAD v4.1: 5,290 of 152,060 alleles (3.5%); highest among the groups gnomAD compares: African/African-American, 12%; 275 homozygotes.

Submissions (2):

Illumina Laboratory Services, Illumina
Classification: Benign for Peroxisome biogenesis disorder 7A (Zellweger). Last evaluated: 2018-01-13. Review status: criteria provided, single submitter. Criteria: ICSL Variant Classification Criteria 13 December 2019. Collection method: clinical testing. Allele origin: germline.
Comment: This variant was observed in the ICSL laboratory as part of a predisposition screen in an ostensibly healthy population. It had not been previously curated by ICSL or reported in the Human Gene Mutation Database (HGMD: prior to June 1st, 2018), and was therefore a candidate for classification through an automated scoring system. Utilizing variant allele frequency, disease prevalence and penetrance estimates, and inheritance mode, an automated score was calculated to assess if this variant is too frequent to cause the disease. Based on the score and internal cut-off values, a variant classified as benign is not then subjected to further curation. The score for this variant resulted in a classification of benign for this disease.

Breakthrough Genomics
Classification: Benign. Review status: criteria provided, single submitter. Criteria: ACMG Guidelines, 2015. Collection method: not provided. Allele origin: germline. Inheritance: Autosomal recessive inheritance. Affected: yes.

NM_001127649.3(PEX26):c.*1859A>C

Gene: PEX26 (peroxisomal biogenesis factor 26; plus strand). Cytogenetic location: 22q11.21.
Variant type: single nucleotide variant.
Coding change: c.*1859A>C on transcript NM_001127649.3 (MANE Select); 1859 bases downstream of the stop codon, A replaced by C.
Molecular consequence: 3 prime UTR variant.
Genome position (GRCh38, 1-based): chr22:18,089,934, A>C. VCF-style: chr22-18089934-A-C. GRCh37 (hg19) VCF-style: chr22-18572700-A-C.
Other names: c.*1859A>C (NM_001199319.2, NM_017929.6).
Identifiers: ClinVar variation 340801 (VCV000340801.6), dbSNP rs146739242, ClinGen allele CA10645105.